The following is an entry in ClinVar:

NM_014795.4(ZEB2):c.1280G>T (p.Gly427Val)

Gene: ZEB2 (zinc finger E-box binding homeobox 2; minus strand). Cytogenetic location: 2q22.3.
Variant type: single nucleotide variant.
Coding change: c.1280G>T on transcript NM_014795.4 (MANE Select); coding-DNA position 1280, G replaced by T.
Protein change: p.Gly427Val; replaces glycine 427 with valine.
Molecular consequence: missense variant.
Genome position (GRCh38, 1-based): chr2:144,399,907, C>A on the plus strand (G>T on the coding strand, the complement: ZEB2 is on the minus strand). VCF-style: chr2-144399907-C-A. GRCh37 (hg19) VCF-style: chr2-145157474-C-A.
Other names: c.1208G>T, p.Gly403Val (NM_001171653.2); short protein forms G427V, G403V.
Identifiers: ClinVar variation 451170 (VCV000451170.2), dbSNP rs1553961730, ClinGen allele CA348712200.

ClinVar aggregate classification (germline): Uncertain significance (1 of 4 stars; one submission).

Submission:

GeneDx
Classification: Uncertain significance. Last evaluated: 2017-08-14. Review status: criteria provided, single submitter. Criteria: GeneDx Variant Classification (06012015). Collection method: clinical testing. Allele origin: germline. Affected: yes.
Comment: The G427V variant has not been published as a pathogenic variant, nor has it been reported as a benign variant to our knowledge. The G427V variant is not observed in large population cohorts (Lek et al., 2016; 1000 Genomes Consortium et al., 2015; Exome Variant Server). This substitution occurs at a position that is conserved across species. However, this variant is a conservative amino acid substitution, which is not likely to impact secondary protein structure as these residues share similar properties. Additionally, missense variants in the ZEB2 gene are rare and have been identified in less than 2% of patients with Mowat- Wilson syndrome (Garavelli et al., 2009). In silico analysis is inconsistent in its predictions as to whether or not the variant is damaging to the protein structure/function.